The following is an entry in ClinVar:

ClinVar aggregate classification (germline): Conflicting classifications of pathogenicity. Review status: criteria provided, conflicting classifications (1 of 4 stars). 2 submissions from 2 submitters: Likely pathogenic (1); Uncertain significance (1). Last evaluated 2024-03-29.

Conditions:
Congenital myopathy 10b, mild variant. Also called: Myopathy, areflexia, respiratory distress, and dysphagia, early-onset, mild variant. Identifiers: MedGen C3541476, MONDO:0859515, OMIM 620249.
MEGF10-related myopathy (CMYO10A). Also called: Congenital myopathy 10A, severe variant. Identifiers: Orphanet 439212, MedGen C3280679, MONDO:0013731, OMIM 614399.

Allele frequency attached by ClinVar (database versions not stated): gnomAD exomes 0.00001 and 0.00002; TOPMed 0.00002; gnomAD 0.00005 and 0.00006.
gnomAD v4.1: 36 of 1,610,842 alleles (0.0022%); highest among the groups gnomAD compares: African/African-American, 0.0094%; no homozygotes.

Submissions (2):

Genomic Medicine Center of Excellence, King Faisal Specialist Hospital and Research Centre
Classification: Likely pathogenic for Congenital myopathy 10b, mild variant. Last evaluated: 2024-03-29. Review status: criteria provided, single submitter. Criteria: ACMG Guidelines, 2015. Collection method: clinical testing. Allele origin: germline.

Labcorp Genetics (formerly Invitae), Labcorp
Classification: Uncertain significance for MEGF10-related myopathy. Last evaluated: 2022-09-07. Review status: criteria provided, single submitter. Criteria: Invitae Variant Classification Sherloc (09022015). Collection method: clinical testing. Allele origin: germline.
Comment: This variant is present in population databases (rs200163743, gnomAD 0.004%). This sequence change replaces proline, which is neutral and non-polar, with serine, which is neutral and polar, at codon 107 of the MEGF10 protein (p.Pro107Ser). This variant has not been reported in the literature in individuals affected with MEGF10-related conditions. In summary, the available evidence is currently insufficient to determine the role of this variant in disease. Therefore, it has been classified as a Variant of Uncertain Significance. Algorithms developed to predict the effect of sequence changes on RNA splicing suggest that this variant may disrupt the consensus splice site. Algorithms developed to predict the effect of missense changes on protein structure and function are either unavailable or do not agree on the potential impact of this missense change (SIFT: "Deleterious"; PolyPhen-2: "Possibly Damaging"; Align-GVGD: "Class C0"). ClinVar contains an entry for this variant (Variation ID: 577106).

NM_001256545.2(MEGF10):c.319C>T (p.Pro107Ser)

Gene: MEGF10 (multiple EGF like domains 10; plus strand). Cytogenetic location: 5q23.2.
Variant type: single nucleotide variant.
Coding change: c.319C>T on transcript NM_001256545.2 (MANE Select); coding-DNA position 319, C replaced by T.
Protein change: p.Pro107Ser; replaces proline 107 with serine.
Molecular consequence: missense variant.
Genome position (GRCh38, 1-based): chr5:127,340,630, C>T. VCF-style: chr5-127340630-C-T. GRCh37 (hg19) VCF-style: chr5-126676322-C-T.
Other names: c.319C>T, p.Pro107Ser (NM_001308119.2, NM_001308121.2, NM_032446.3); short protein forms P107S.
Identifiers: ClinVar variation 577106 (VCV000577106.8), dbSNP rs200163743, ClinGen allele CA127484629.
Genomic context (GRCh38, chr5:127,340,630, plus strand): 5'-ATGTATAGGCGCAAGTCTCAGTGTTGTCCTGGATTTTATGAAAGCGGGGAAATGTGTGTC[C>T]GTAAGTAAGACTGTCACCCCTTTGAGATTCGCTAGTTTTTCCCAGTGCTGGTTTGCTTCC-3'
Protein context (NP_001243474.1, residues 97-117): GFYESGEMCV[Pro107Ser]HCADKCVHGR